The following is an entry in ClinVar:

NM_000489.6(ATRX):c.1522A>C (p.Asn508His)

Gene: ATRX (ATRX chromatin remodeler; minus strand). Cytogenetic location: Xq21.1.
Variant type: single nucleotide variant.
Coding change: c.1522A>C on transcript NM_000489.6 (MANE Select); coding-DNA position 1522, A replaced by C.
Protein change: p.Asn508His; replaces asparagine 508 with histidine.
Molecular consequence: missense variant.
Genome position (GRCh38, 1-based): chrX:77,683,734, T>G on the plus strand (A>C on the coding strand, the complement: ATRX is on the minus strand). VCF-style: chrX-77683734-T-G. GRCh37 (hg19) VCF-style: chrX-76939226-T-G.
Other names: c.1522A>C (NM_000489.5); c.1408A>C, p.Asn470His (NM_138270.5); short protein forms N508H, N470H.
Identifiers: ClinVar variation 93131 (VCV000093131.12), dbSNP rs398123421, ClinGen allele CA220991.

ClinVar aggregate classification (germline): Uncertain significance. Review status: criteria provided, multiple submitters, no conflicts (2 of 4 stars). 3 submissions from 3 submitters: Uncertain significance (3). Last evaluated 2023-10-22.

Conditions:
Alpha thalassemia-X-linked intellectual disability syndrome (ATRX). Also called: ALPHA-THALASSEMIA/IMPAIRED INTELLECTUAL DEVELOPMENT SYNDROME, X-LINKED; X-linked alpha-thalassemia-mental retardation syndrome; ATR-X syndrome; Alpha thalassemia mental retardation syndrome, nondeletion type, X-linked; XLMR hypotonic face syndrome; ALPHA-THALASSEMIA/MENTAL RETARDATION SYNDROME, X-LINKED. Identifiers: Orphanet 847, MedGen C1845055, MONDO:0010519, OMIM 301040.

Submissions (3):

Labcorp Genetics (formerly Invitae), Labcorp
Classification: Uncertain significance for Alpha thalassemia-X-linked intellectual disability syndrome. Last evaluated: 2023-10-22. Review status: criteria provided, single submitter. Criteria: Invitae Variant Classification Sherloc (09022015). Collection method: clinical testing. Allele origin: germline.
Comment: This sequence change replaces asparagine, which is neutral and polar, with histidine, which is basic and polar, at codon 508 of the ATRX protein (p.Asn508His). This variant is not present in population databases (gnomAD no frequency). This variant has not been reported in the literature in individuals affected with ATRX-related conditions. Advanced modeling of protein sequence and biophysical properties (such as structural, functional, and spatial information, amino acid conservation, physicochemical variation, residue mobility, and thermodynamic stability) performed at Invitae indicates that this missense variant is not expected to disrupt ATRX protein function. In summary, the available evidence is currently insufficient to determine the role of this variant in disease. Therefore, it has been classified as a Variant of Uncertain Significance.

Revvity Omics, Revvity
Classification: Uncertain significance. Last evaluated: 2022-03-09. Review status: criteria provided, single submitter. Criteria: ACMG Guidelines, 2015. Collection method: clinical testing. Allele origin: germline.

Eurofins Ntd Llc (ga)
Classification: Uncertain significance. Last evaluated: 2012-11-02. Review status: criteria provided, single submitter. Criteria: EGL Classification Definitions 2015. Collection method: clinical testing. Allele origin: germline. Observed: 2 variant alleles, 1 heterozygote, 1 hemizygote.